The following is an entry in ClinVar:

ClinVar aggregate classification (germline): Uncertain significance (1 of 4 stars; one submission).

Conditions:
Inborn genetic diseases. Identifiers: MedGen C0950123, MeSH D030342.

gnomAD v4.1: 1 of 1,613,804 alleles (0.000062%); highest among the groups gnomAD compares: Non-Finnish European, 0.000085%; no homozygotes.

Submission:

Ambry Genetics
Classification: Uncertain significance for Inborn genetic diseases. Last evaluated: 2025-10-11. Review status: criteria provided, single submitter. Criteria: Ambry Variant Classification Scheme 2023. Collection method: clinical testing. Allele origin: germline.
Comment: The p.A200V variant (also known as c.599C>T), located in coding exon 4 of the MECOM gene, results from a C to T substitution at nucleotide position 599. The alanine at codon 200 is replaced by valine, an amino acid with similar properties. This amino acid position is conserved. In addition, this alteration is predicted to be tolerated by in silico analysis. Based on the available evidence, the clinical significance of this variant remains unclear.

NM_004991.4(MECOM):c.599C>T (p.Ala200Val)

Gene: MECOM (MDS1 and EVI1 complex locus; minus strand). Cytogenetic location: 3q26.2.
Variant type: single nucleotide variant.
Coding change: c.599C>T on transcript NM_004991.4 (MANE Select); coding-DNA position 599, C replaced by T.
Protein change: p.Ala200Val; replaces alanine 200 with valine.
Molecular consequence: missense variant.
Genome position (GRCh38, 1-based): chr3:169,131,443, G>A on the plus strand (C>T on the coding strand, the complement: MECOM is on the minus strand). VCF-style: chr3-169131443-G-A. GRCh37 (hg19) VCF-style: chr3-168849231-G-A.
Other names: c.227C>T, p.Ala76Val (NM_001105077.4); c.35C>T, p.Ala12Val (NM_001105078.4, NM_001163999.2, NM_001164000.2 and 9 more transcripts); c.599C>T, p.Ala200Val (NM_001366466.2, NM_001366473.2); short protein forms A76V, A12V, A200V.
Identifiers: ClinVar variation 4624638 (VCV004624638.1).